The following is an entry in ClinVar:

ClinVar aggregate classification (germline): Pathogenic (1 of 4 stars; one submission).

Conditions:
Microcephaly-intellectual disability-sensorineural hearing loss-epilepsy-abnormal muscle tone syndrome (NEDHSB). Also called: NEURODEVELOPMENTAL DISORDER WITH HEARING LOSS, SEIZURES, AND BRAIN ABNORMALITIES. Identifiers: Orphanet 457351, MedGen C4225276, MONDO:0014698, OMIM 616577.

Submission:

Labcorp Genetics (formerly Invitae), Labcorp
Classification: Pathogenic for Microcephaly-intellectual disability-sensorineural hearing loss-epilepsy-abnormal muscle tone syndrome. Last evaluated: 2024-04-12. Review status: criteria provided, single submitter. Criteria: Invitae Variant Classification Sherloc (09022015). Collection method: clinical testing. Allele origin: germline.
Comment: This sequence change creates a premature translational stop signal (p.Glu804Asnfs*3) in the SPATA5 gene. It is expected to result in an absent or disrupted protein product. Loss-of-function variants in SPATA5 are known to be pathogenic (PMID: 26299366). This variant is not present in population databases (gnomAD no frequency). This variant has not been reported in the literature in individuals affected with SPATA5-related conditions. ClinVar contains an entry for this variant (Variation ID: 575536). For these reasons, this variant has been classified as Pathogenic.

Literature cited by the submitters: PubMed 26299366.

NM_145207.3(AFG2A):c.2409_2410del (p.Glu804fs)

Gene: AFG2A (AAA ATPase AFG2A; plus strand). Cytogenetic location: 4q28.1.
Variant type: Deletion.
Coding change: c.2409_2410del on transcript NM_145207.3 (MANE Select); coding-DNA positions 2409 to 2410, 2 bases deleted (GG; older notation c.2409_2410delGG).
Protein change: p.Glu804fs; shifts the reading frame from glutamic acid 804.
Molecular consequence: frameshift variant.
Genome position (GRCh38, 1-based): chr4:123,256,084-123,256,085, GG deleted; deleting any 2 consecutive bases within chr4:123,256,083-123,256,085 gives the same sequence; the c. name uses the placement nearest the transcript's 3' end. VCF-style (leftmost placement, unchanged base first): chr4-123256082-AGG-A. GRCh37 (hg19) VCF-style: chr4-124177237-AGG-A.
Other names: c.2409_2410del (NM_145207.2); c.2406_2407del, p.Glu803fs (NM_001345856.2); short protein forms E803fs, E804fs.
Identifiers: ClinVar variation 575536 (VCV000575536.7), dbSNP rs1560667008, ClinGen allele CA891842915.
Genomic context (GRCh38, chr4:123,256,082, plus strand): 5'-ATGCGGCCTGGAAGAATTGATAGAATCATCTATGTGCCTTTACCGGATGCAGCAACAAGA[AGG>A]GAAATATTTAAGCTGCAGTTTCACTCCATGCCTGTCAGTAATGAAGTTGACCTGGATGAA-3'